The following is an entry in ClinVar:

NM_006618.5(KDM5B):c.2268C>T (p.Asn756=)

Gene: KDM5B (lysine demethylase 5B; minus strand). Cytogenetic location: 1q32.1.
Variant type: single nucleotide variant.
Coding change: c.2268C>T on transcript NM_006618.5 (MANE Select); coding-DNA position 2268, C replaced by T.
Protein change: p.Asn756=; no amino-acid change (asparagine 756 retained).
Molecular consequence: synonymous variant.
Genome position (GRCh38, 1-based): chr1:202,745,913, G>A on the plus strand (C>T on the coding strand, the complement: KDM5B is on the minus strand). VCF-style: chr1-202745913-G-A. GRCh37 (hg19) VCF-style: chr1-202715041-G-A.
Other names: c.2376C>T, p.Asn792= (NM_001314042.2); c.2133C>T, p.Asn711= (NM_001347591.2); c.2253C>T, p.Asn751= (NM_001399817.1).
Identifiers: ClinVar variation 3026040 (VCV003026040.22), dbSNP rs368672849, ClinGen allele CA1334485.

ClinVar aggregate classification (germline): Likely benign (1 of 4 stars; one submission).

Allele frequency attached by ClinVar (database versions not stated): ExAC 0.00002; TOPMed 0.00002; gnomAD 0.00003; gnomAD exomes 0.00003; ESP Exome Variant Server 0.00008.
gnomAD v4.1: 54 of 1,613,758 alleles (0.0033%); highest among the groups gnomAD compares: African/African-American, 0.0067%; no homozygotes.

Submission:

CeGaT Center for Human Genetics Tuebingen
Classification: Likely benign. Last evaluated: 2023-12-01. Review status: criteria provided, single submitter. Criteria: CeGaT Center For Human Genetics Tuebingen Variant Classification Criteria Version 2. Collection method: clinical testing. Allele origin: germline. Affected: yes. Observed: 1 variant allele.
Comment: KDM5B: BP4, BP7